The following is an entry in ClinVar:

ClinVar aggregate classification (germline): Uncertain significance (1 of 4 stars; one submission).

Conditions:
Developmental and epileptic encephalopathy, 2 (DEE2). Also called: INFANTILE SPASM SYNDROME, X-LINKED 2; CDKL5 deficiency disorder. Identifiers: Orphanet 1934, Orphanet 3451, Orphanet 505652, MedGen C4750718, MONDO:0010396, OMIM 300672.
Angelman syndrome-like. Identifiers: MedGen CN128785.

Allele frequency attached by ClinVar (database versions not stated): gnomAD exomes below 0.00001.
gnomAD v4.1: 1 of 1,208,473 alleles (0.000083%); highest among the groups gnomAD compares: Non-Finnish European, 0.00011%; no homozygotes.

Submission:

Labcorp Genetics (formerly Invitae), Labcorp
Classification: Uncertain significance for Developmental and epileptic encephalopathy, 2; Angelman syndrome-like. Last evaluated: 2023-04-14. Review status: criteria provided, single submitter. Criteria: Invitae Variant Classification Sherloc (09022015). Collection method: clinical testing. Allele origin: germline.
Comment: This variant has not been reported in the literature in individuals affected with CDKL5-related conditions. Advanced modeling of protein sequence and biophysical properties (such as structural, functional, and spatial information, amino acid conservation, physicochemical variation, residue mobility, and thermodynamic stability) has been performed at Invitae for this missense variant, however the output from this modeling did not meet the statistical confidence thresholds required to predict the impact of this variant on CDKL5 protein function. In summary, the available evidence is currently insufficient to determine the role of this variant in disease. Therefore, it has been classified as a Variant of Uncertain Significance. This sequence change replaces arginine, which is basic and polar, with histidine, which is basic and polar, at codon 243 of the CDKL5 protein (p.Arg243His). This variant is not present in population databases (gnomAD no frequency).

NM_001323289.2(CDKL5):c.728G>A (p.Arg243His)

Gene: CDKL5 (cyclin dependent kinase like 5; plus strand). Cytogenetic location: Xp22.13.
Variant type: single nucleotide variant.
Coding change: c.728G>A on transcript NM_001323289.2 (MANE Select); coding-DNA position 728, G replaced by A.
Protein change: p.Arg243His; replaces arginine 243 with histidine.
Molecular consequence: missense variant.
Genome position (GRCh38, 1-based): chrX:18,588,127, G>A. VCF-style: chrX-18588127-G-A. GRCh37 (hg19) VCF-style: chrX-18606247-G-A.
Other names: c.728G>A, p.Arg243His (NM_001037343.2, NM_003159.3); short protein forms R243H.
Identifiers: ClinVar variation 2946311 (VCV002946311.3), dbSNP rs1465351962, ClinGen allele CA412353640.